The following is an entry in ClinVar:

ClinVar aggregate classification (germline): Likely benign (0 of 4 stars; one submission).

Conditions:
ODAD2-related disorder. Also called: ODAD2-related condition.

Submission:

PreventionGenetics, part of Exact Sciences
Classification: Likely benign for ODAD2-related condition. Last evaluated: 2019-07-25. Review status: no assertion criteria provided. Collection method: clinical testing. Allele origin: germline.
Comment: This variant is classified as likely benign based on ACMG/AMP sequence variant interpretation guidelines (Richards et al. 2015 PMID: 25741868, with internal and published modifications).

NM_018076.5(ODAD2):c.820-8dup

Gene: ODAD2 (outer dynein arm docking complex subunit 2; minus strand). Cytogenetic location: 10p12.1.
Variant type: Duplication.
Coding change: c.820-8dup on transcript NM_018076.5 (MANE Select); 8 bases into the intron before coding-DNA position 820, one base duplicated (T; older notation c.820-8dupT).
Molecular consequence: intron variant.
Genome position (GRCh38, 1-based): chr10:27,981,590, A duplicated on the plus strand (T on the coding strand, the reverse complement: ODAD2 is on the minus strand); the first of 6 consecutive A bases (chr10:27,981,590-27,981,595); duplicating any one gives the same sequence. VCF-style (leftmost placement, unchanged base first): chr10-27981589-G-GA. GRCh37 (hg19) VCF-style: chr10-28270518-G-GA.
Other names: c.820-8dup (NM_001290020.2); c.-105-8dup (NM_001312689.2); c.-304-8dup (NM_001290021.2).
Identifiers: ClinVar variation 3050626 (VCV003050626.2), dbSNP rs775273884, ClinGen allele CA5453698.